The following is an entry in ClinVar:

ClinVar aggregate classification (germline): Uncertain significance (1 of 4 stars; one submission).

Conditions:
Adams-Oliver syndrome 5 (AOS5). Identifiers: Orphanet 974, MedGen C4014970, MONDO:0014459, OMIM 616028.

Submission:

Labcorp Genetics (formerly Invitae), Labcorp
Classification: Uncertain significance for Adams-Oliver syndrome 5. Last evaluated: 2023-12-11. Review status: criteria provided, single submitter. Criteria: Invitae Variant Classification Sherloc (09022015). Collection method: clinical testing. Allele origin: germline.
Comment: This sequence change falls in intron 8 of the NOTCH1 gene. It does not directly change the encoded amino acid sequence of the NOTCH1 protein. It affects a nucleotide within the consensus splice site. This variant is not present in population databases (gnomAD no frequency). This variant has not been reported in the literature in individuals affected with NOTCH1-related conditions. ClinVar contains an entry for this variant (Variation ID: 641916). Variants that disrupt the consensus splice site are a relatively common cause of aberrant splicing (PMID: 17576681, 9536098). Algorithms developed to predict the effect of sequence changes on RNA splicing suggest that this variant is not likely to affect RNA splicing. In summary, the available evidence is currently insufficient to determine the role of this variant in disease. Therefore, it has been classified as a Variant of Uncertain Significance.

Literature cited by the submitters: PubMed 17576681; PubMed 9536098.

NM_017617.5(NOTCH1):c.1442-3C>T

Gene: NOTCH1 (notch receptor 1; minus strand). Cytogenetic location: 9q34.3.
Variant type: single nucleotide variant.
Coding change: c.1442-3C>T on transcript NM_017617.5 (MANE Select); 3 bases into the intron before coding-DNA position 1442, C replaced by T.
Molecular consequence: intron variant.
Genome position (GRCh38, 1-based): chr9:136,517,388, G>A on the plus strand (C>T on the coding strand, the complement: NOTCH1 is on the minus strand). VCF-style: chr9-136517388-G-A. GRCh37 (hg19) VCF-style: chr9-139411840-G-A.
Other names: c.1442-3C>T (LRG_1122t1).
Identifiers: ClinVar variation 641916 (VCV000641916.8), dbSNP rs1589067790, ClinGen allele CA645562530.
Genomic context (GRCh38, chr9:136,517,388, plus strand): 5'-AGGCAGGGGCTGCTGGCACACTCGTCTGTGTTGACCTCGCAGTGCACACCCTCGTAGCCT[G>A]TGGGGTGGGGCAACAGTGAGGGGGGCACGCGCGGCCCCAGTGCCCCACTGGGCACAGCTG-3'